The following is an entry in ClinVar:

NM_006648.4(WNK2):c.3524C>T (p.Thr1175Met)

Gene: WNK2 (WNK lysine deficient protein kinase 2; plus strand). Cytogenetic location: 9q22.31.
Variant type: single nucleotide variant.
Coding change: c.3524C>T on transcript NM_006648.4 (MANE Select); coding-DNA position 3524, C replaced by T.
Protein change: p.Thr1175Met; replaces threonine 1175 with methionine.
Molecular consequence: missense variant.
Genome position (GRCh38, 1-based): chr9:93,263,679, C>T. VCF-style: chr9-93263679-C-T. GRCh37 (hg19) VCF-style: chr9-96025961-C-T.
Other names: c.3524C>T, p.Thr1175Met (NM_001282394.3); short protein forms T1175M.
Identifiers: ClinVar variation 3816880 (VCV003816880.1).
Genomic context (GRCh38, chr9:93,263,679, plus strand): 5'-GCGCCTTTGGAGGGGGCAGGCTGGAGGGCAGGGCAGCCCGAAAACACCACCGCAGGTCCA[C>T]GCGTGCGCGCTCCCGGCAGGAGAGGGCCAGCCGGCCCCGGCTTACCATCTTGAACGTGAG-3'
Protein context (NP_006639.3, residues 1165-1185): RAARKHHRRS[Thr1175Met]RARSRQERAS

ClinVar aggregate classification (germline): Uncertain significance (1 of 4 stars; one submission).

Submission:

Ambry Genetics
Classification: Uncertain significance. Last evaluated: 2025-01-19. Review status: criteria provided, single submitter. Criteria: Ambry Variant Classification Scheme 2023. Collection method: clinical testing. Allele origin: germline.
Comment: The p.T1175M variant (also known as c.3524C>T), located in coding exon 14 of the WNK2 gene, results from a C to T substitution at nucleotide position 3524. The threonine at codon 1175 is replaced by methionine, an amino acid with similar properties. This amino acid position is conserved. In addition, this alteration is predicted to be tolerated by in silico analysis. Based on the available evidence, the clinical significance of this variant remains unclear.